The following is an entry in ClinVar:

ClinVar aggregate classification (germline): Likely pathogenic (1 of 4 stars; one submission).

Conditions:
NNT-related disorder. Also called: NNT-related condition.

Submission:

PreventionGenetics, part of Exact Sciences
Classification: Likely pathogenic for NNT-related condition. Last evaluated: 2026-08-16. Review status: criteria provided, single submitter. Criteria: ACMG Guidelines, 2015. Collection method: clinical testing. Allele origin: germline.
Comment: The NNT c.924C>A variant is predicted to result in premature protein termination (p.Cys308*). To our knowledge, this variant has not been reported in the literature or in a large population database (gnomAD), indicating this variant is rare. Nonsense variants in NNT are expected to be pathogenic. This variant is interpreted as likely pathogenic.

NM_182977.3(NNT):c.924C>A (p.Cys308Ter)

Gene: NNT (nicotinamide nucleotide transhydrogenase; plus strand). Cytogenetic location: 5p12.
Variant type: single nucleotide variant.
Coding change: c.924C>A on transcript NM_182977.3 (MANE Select); coding-DNA position 924, C replaced by A.
Protein change: p.Cys308Ter; replaces cysteine 308 with a stop codon.
Molecular consequence: nonsense.
Genome position (GRCh38, 1-based): chr5:43,628,347, C>A. VCF-style: chr5-43628347-C-A. GRCh37 (hg19) VCF-style: chr5-43628449-C-A.
Other names: c.531C>A, p.Cys177Ter (NM_001331026.2); c.924C>A, p.Cys308Ter (NM_012343.4); short protein forms C177*, C308*.
Identifiers: ClinVar variation 4994221 (VCV004994221.1).